The following is an entry in ClinVar:

ClinVar aggregate classification (germline): Benign. Review status: criteria provided, multiple submitters, no conflicts (2 of 4 stars). 4 submissions from 4 submitters: Benign (4). Last evaluated 2026-02-03.

Conditions:
Orthostatic hypotension 1 (ORTHYP1). Also called: Dopamine beta-hydroxylase deficiency; Orthostatic hypotension 1, due to DBH deficiency; NORADRENALINE DEFICIENCY; NOREPINEPHRINE DEFICIENCY. Identifiers: Orphanet 230, MedGen C4746777, MONDO:0009123, OMIM 223360.

Allele frequency attached by ClinVar (database versions not stated): 1000 Genomes Project 0.12440; 1000 Genomes Project 30x 0.12992; TOPMed 0.13579; ESP Exome Variant Server 0.14140.
gnomAD v4.1: 122,504 of 1,609,136 alleles (7.6%); highest among the groups gnomAD compares: African/African-American, 30%; 7,051 homozygotes.

Submissions (4):

Labcorp Genetics (formerly Invitae), Labcorp
Classification: Benign for Orthostatic hypotension 1. Last evaluated: 2026-02-03. Review status: criteria provided, single submitter. Criteria: Invitae Variant Classification Sherloc (09022015). Collection method: clinical testing. Allele origin: germline.

GeneDx
Classification: Benign. Last evaluated: 2021-05-04. Review status: criteria provided, single submitter. Criteria: GeneDx Variant Classification Process June 2021. Collection method: clinical testing. Allele origin: germline. Affected: yes.

Illumina Laboratory Services, Illumina
Classification: Benign for Orthostatic hypotension 1. Last evaluated: 2018-01-13. Review status: criteria provided, single submitter. Criteria: ICSL Variant Classification Criteria 13 December 2019. Collection method: clinical testing. Allele origin: germline.
Comment: This variant was observed in the ICSL laboratory as part of a predisposition screen in an ostensibly healthy population. It had not been previously curated by ICSL or reported in the Human Gene Mutation Database (HGMD: prior to June 1st, 2018), and was therefore a candidate for classification through an automated scoring system. Utilizing variant allele frequency, disease prevalence and penetrance estimates, and inheritance mode, an automated score was calculated to assess if this variant is too frequent to cause the disease. Based on the score and internal cut-off values, a variant classified as benign is not then subjected to further curation. The score for this variant resulted in a classification of benign for this disease.

Breakthrough Genomics
Classification: Benign. Review status: criteria provided, single submitter. Criteria: ACMG Guidelines, 2015. Collection method: not provided. Allele origin: germline. Inheritance: Autosomal recessive inheritance. Affected: yes.

NM_000787.4(DBH):c.1024+6C>G

Gene: DBH (dopamine beta-hydroxylase; plus strand). Cytogenetic location: 9q34.2.
Variant type: single nucleotide variant.
Coding change: c.1024+6C>G on transcript NM_000787.4 (MANE Select); 6 bases into the intron after coding-DNA position 1024, C replaced by G.
Molecular consequence: intron variant.
Genome position (GRCh38, 1-based): chr9:133,644,326, C>G. VCF-style: chr9-133644326-C-G. GRCh37 (hg19) VCF-style: chr9-136509448-C-G.
Identifiers: ClinVar variation 365653 (VCV000365653.17), dbSNP rs1611126, ClinGen allele CA5313269.